The following is an entry in ClinVar:

ClinVar aggregate classification (germline): Uncertain significance (1 of 4 stars; one submission).

Conditions:
Niemann-Pick disease, type B. Also called: Chronic Visceral ASMD (Niemann-Pick Disease Type B; NPD-B). Identifiers: Orphanet 77293, MedGen C0268243, MONDO:0011871, OMIM 607616. Disease mechanism: loss of function.
Niemann-Pick disease, type A. Also called: SPHINGOMYELIN LIPIDOSIS; SPHINGOMYELINASE DEFICIENCY; Infantile Neurovisceral ASMD (Niemann-Pick Disease Type A; NPD-A). Identifiers: Orphanet 77292, MedGen C0268242, MONDO:0009756, OMIM 257200. Disease mechanism: loss of function.

Submission:

Labcorp Genetics (formerly Invitae), Labcorp
Classification: Uncertain significance for Niemann-Pick disease, type B; Niemann-Pick disease, type A. Last evaluated: 2025-12-24. Review status: criteria provided, single submitter. Criteria: Invitae Variant Classification Sherloc (09022015). Collection method: clinical testing. Allele origin: germline.
Comment: This sequence change replaces threonine, which is neutral and polar, with isoleucine, which is neutral and non-polar, at codon 324 of the SMPD1 protein (p.Thr324Ile). This variant is not present in population databases (gnomAD no frequency). This variant has not been reported in the literature in individuals affected with SMPD1-related conditions. Invitae Evidence Modeling of protein sequence and biophysical properties (such as structural, functional, and spatial information, amino acid conservation, physicochemical variation, residue mobility, and thermodynamic stability) has been performed for this missense variant. However, the output from this modeling did not meet the statistical confidence thresholds required to predict the impact of this variant on SMPD1 protein function. In summary, the available evidence is currently insufficient to determine the role of this variant in disease. Therefore, it has been classified as a Variant of Uncertain Significance.

NM_000543.5(SMPD1):c.971C>T (p.Thr324Ile)

Gene: SMPD1 (sphingomyelin phosphodiesterase 1; plus strand). Cytogenetic location: 11p15.4.
Variant type: single nucleotide variant.
Coding change: c.971C>T on transcript NM_000543.5 (MANE Select); coding-DNA position 971, C replaced by T.
Protein change: p.Thr324Ile; replaces threonine 324 with isoleucine.
Molecular consequence: missense variant. On other transcripts: non-coding transcript variant (1).
Genome position (GRCh38, 1-based): chr11:6,392,036, C>T. VCF-style: chr11-6392036-C-T. GRCh37 (hg19) VCF-style: chr11-6413266-C-T.
Other names: c.968C>T, p.Thr323Ile (NM_001007593.3); c.971C>T, p.Thr324Ile (NM_001318087.2, NM_001365135.2); c.10C>T, p.His4Tyr (NM_001318088.2); short protein forms T324I, H4Y, T323I.
Identifiers: ClinVar variation 4788752 (VCV004788752.1), dbSNP rs1050233.